The following is an entry in ClinVar:

ClinVar aggregate classification (germline): Uncertain significance (1 of 4 stars; one submission).

Conditions:
Inborn genetic diseases. Identifiers: MedGen C0950123, MeSH D030342.

gnomAD v4.1: 1 of 1,592,864 alleles (0.000063%); highest among the groups gnomAD compares: Non-Finnish European, 0.000086%; no homozygotes.

Submission:

Ambry Genetics
Classification: Uncertain significance for Inborn genetic diseases. Last evaluated: 2026-08-23. Review status: criteria provided, single submitter. Criteria: Ambry Variant Classification Scheme 2023. Collection method: clinical testing. Allele origin: germline.
Comment: The c.6910A>G (p.I2304V) alteration is located in exon 47 (coding exon 46) of the CNOT1 gene. This alteration results from a A to G substitution at nucleotide position 6910, causing the isoleucine (I) at amino acid position 2304 to be replaced by a valine (V). Based on data from gnomAD, the G allele has an overall frequency of <0.001% (1/246020) total alleles studied. The highest observed frequency was 0.001% (1/111946) of European (non-Finnish) alleles. Based on insufficient or conflicting evidence, the clinical significance of this alteration remains unclear.

NM_016284.5(CNOT1):c.6910A>G (p.Ile2304Val)

Genes: CNOT1 (CCR4-NOT transcription complex subunit 1; minus strand), SETD6 (SET domain containing 6, protein lysine methyltransferase; plus strand). Cytogenetic location: 16q21.
Variant type: single nucleotide variant.
Coding change: c.6910A>G on transcript NM_016284.5 (MANE Select); coding-DNA position 6910, A replaced by G.
Protein change: p.Ile2304Val; replaces isoleucine 2304 with valine.
Molecular consequence: missense variant. On other transcripts: non-coding transcript variant (1), 3 prime UTR variant (1).
Genome position (GRCh38, 1-based): chr16:58,523,377, T>C on the plus strand (A>G on the coding strand, the complement: CNOT1 is on the minus strand). VCF-style: chr16-58523377-T-C. GRCh37 (hg19) VCF-style: chr16-58557281-T-C.
Other names: c.6895A>G, p.Ile2299Val (NM_001265612.2); c.*4348T>C (NM_001160305.4); short protein forms I2299V, I2304V.
Identifiers: ClinVar variation 5034655 (VCV005034655.1).